The following is an entry in ClinVar:

NM_015057.5(MYCBP2):c.4279C>T (p.Leu1427Phe)

Gene: MYCBP2 (MYC binding protein 2; minus strand). Cytogenetic location: 13q22.3.
Variant type: single nucleotide variant.
Coding change: c.4279C>T on transcript NM_015057.5 (MANE Select); coding-DNA position 4279, C replaced by T.
Protein change: p.Leu1427Phe; replaces leucine 1427 with phenylalanine.
Molecular consequence: missense variant.
Genome position (GRCh38, 1-based): chr13:77,186,036, G>A on the plus strand (C>T on the coding strand, the complement: MYCBP2 is on the minus strand). VCF-style: chr13-77186036-G-A. GRCh37 (hg19) VCF-style: chr13-77760171-G-A.
Other names: short protein forms L1427F.
Identifiers: ClinVar variation 4625372 (VCV004625372.1).

ClinVar aggregate classification (germline): Uncertain significance (1 of 4 stars; one submission).

Conditions:
Inborn genetic diseases. Identifiers: MedGen C0950123, MeSH D030342.

gnomAD v4.1: 4 of 1,601,786 alleles (0.00025%); highest among the groups gnomAD compares: South Asian, 0.0034%; no homozygotes.

Submission:

Ambry Genetics
Classification: Uncertain significance for Inborn genetic diseases. Last evaluated: 2025-09-28. Review status: criteria provided, single submitter. Criteria: Ambry Variant Classification Scheme 2023. Collection method: clinical testing. Allele origin: germline.
Comment: The c.4279C>T (p.L1427F) alteration is located in exon 31 (coding exon 31) of the MYCBP2 gene. This alteration results from a C to T substitution at nucleotide position 4279, causing the leucine (L) at amino acid position 1427 to be replaced by a phenylalanine (F). Based on data from gnomAD, the T allele has an overall frequency of <0.001% (1/240042) total alleles studied. The highest observed frequency was 0.004% (1/28276) of South Asian alleles. Based on insufficient or conflicting evidence, the clinical significance of this alteration remains unclear.